The following is an entry in ClinVar:

NM_005051.3(QARS1):c.950C>T (p.Ala317Val)

Gene: QARS1 (glutaminyl-tRNA synthetase 1; minus strand). Cytogenetic location: 3p21.31.
Variant type: single nucleotide variant.
Coding change: c.950C>T on transcript NM_005051.3 (MANE Select); coding-DNA position 950, C replaced by T.
Protein change: p.Ala317Val; replaces alanine 317 with valine.
Molecular consequence: missense variant. On other transcripts: non-coding transcript variant (1).
Genome position (GRCh38, 1-based): chr3:49,100,601, G>A on the plus strand (C>T on the coding strand, the complement: QARS1 is on the minus strand). VCF-style: chr3-49100601-G-A. GRCh37 (hg19) VCF-style: chr3-49138034-G-A.
Other names: c.917C>T, p.Ala306Val (NM_001272073.2); short protein forms A306V, A317V.
Identifiers: ClinVar variation 2020413 (VCV002020413.1), dbSNP rs2042456866, ClinGen allele CA352711919.
Genomic context (GRCh38, chr3:49,100,601, plus strand): 5'-CCACCAGCCCTTCTAGGCTTTGCCTAGTCCATACCTAGCCAGGCTACCATGTCACAGATG[G>A]CCGTGAAGAACTTTGCTTCCTCCTTCTCAGGGTTGGTGTCATCAAAACGCAGAAAACAGA-3'
Protein context (NP_005042.1, residues 307-327): PEKEEAKFFT[Ala317Val]ICDMVAWLGY

ClinVar aggregate classification (germline): Uncertain significance (1 of 4 stars; one submission).

Conditions:
Diffuse cerebral and cerebellar atrophy - intractable seizures - progressive microcephaly syndrome. Also called: Microcephaly, progressive, with seizures and cerebral and cerebellar atrophy. Identifiers: Orphanet 404437, MedGen C4014239, MONDO:0014335, OMIM 615760.

Submission:

Labcorp Genetics (formerly Invitae), Labcorp
Classification: Uncertain significance for Diffuse cerebral and cerebellar atrophy - intractable seizures - progressive microcephaly syndrome. Last evaluated: 2022-07-30. Review status: criteria provided, single submitter. Criteria: Invitae Variant Classification Sherloc (09022015). Collection method: clinical testing. Allele origin: germline.
Comment: This sequence change replaces alanine, which is neutral and non-polar, with valine, which is neutral and non-polar, at codon 317 of the QARS protein (p.Ala317Val). This variant is not present in population databases (gnomAD no frequency). This variant has not been reported in the literature in individuals affected with QARS-related conditions. Algorithms developed to predict the effect of missense changes on protein structure and function are either unavailable or do not agree on the potential impact of this missense change (SIFT: "Deleterious"; PolyPhen-2: "Probably Damaging"; Align-GVGD: "Class C0"). In summary, the available evidence is currently insufficient to determine the role of this variant in disease. Therefore, it has been classified as a Variant of Uncertain Significance.